The following is an entry in ClinVar:

NM_022051.3(EGLN1):c.404G>T (p.Gly135Val)

Gene: EGLN1 (egl-9 family hypoxia inducible factor 1; minus strand). Cytogenetic location: 1q42.2.
Variant type: single nucleotide variant.
Coding change: c.404G>T on transcript NM_022051.3 (MANE Select); coding-DNA position 404, G replaced by T.
Protein change: p.Gly135Val; replaces glycine 135 with valine.
Molecular consequence: missense variant.
Genome position (GRCh38, 1-based): chr1:231,421,485, C>A on the plus strand (G>T on the coding strand, the complement: EGLN1 is on the minus strand). VCF-style: chr1-231421485-C-A. GRCh37 (hg19) VCF-style: chr1-231557231-C-A.
Other names: c.404G>T, p.Gly135Val (NM_001377260.1, NM_001377261.1); short protein forms G135V.
Identifiers: ClinVar variation 3507211 (VCV003507211.1).

ClinVar aggregate classification (germline): Uncertain significance (1 of 4 stars; one submission).

Submission:

Ambry Genetics
Classification: Uncertain significance. Last evaluated: 2024-07-13. Review status: criteria provided, single submitter. Criteria: Ambry Variant Classification Scheme 2023. Collection method: clinical testing. Allele origin: germline.
Comment: The p.G135V variant (also known as c.404G>T), located in coding exon 1 of the EGLN1 gene, results from a G to T substitution at nucleotide position 404. The glycine at codon 135 is replaced by valine, an amino acid with dissimilar properties. This amino acid position is conserved. In addition, this alteration is predicted to be tolerated by in silico analysis. Based on the available evidence, the clinical significance of this variant remains unclear.